The following is an entry in ClinVar:

NM_001942.4(DSG1):c.1952T>C (p.Met651Thr)

Genes: DSG1 (desmoglein 1; plus strand), DSG1-AS1 (DSG1 antisense RNA 1; minus strand). Cytogenetic location: 18q12.1.
Variant type: single nucleotide variant.
Coding change: c.1952T>C on transcript NM_001942.4 (MANE Select); coding-DNA position 1952, T replaced by C.
Protein change: p.Met651Thr; replaces methionine 651 with threonine.
Molecular consequence: missense variant.
Genome position (GRCh38, 1-based): chr18:31,346,050, T>C. VCF-style: chr18-31346050-T-C. GRCh37 (hg19) VCF-style: chr18-28926013-T-C.
Other names: short protein forms M651T.
Identifiers: ClinVar variation 2809426 (VCV002809426.3), dbSNP rs2510839708, ClinGen allele CA402118727.

ClinVar aggregate classification (germline): Uncertain significance (1 of 4 stars; one submission).

Allele frequency attached by ClinVar (database versions not stated): gnomAD exomes below 0.00001.
gnomAD v4.1: 3 of 1,613,382 alleles (0.00019%); highest among the groups gnomAD compares: Non-Finnish European, 0.00017%; no homozygotes.

Submission:

Labcorp Genetics (formerly Invitae), Labcorp
Classification: Uncertain significance. Last evaluated: 2025-07-22. Review status: criteria provided, single submitter. Criteria: Invitae Variant Classification Sherloc (09022015). Collection method: clinical testing. Allele origin: germline.
Comment: This sequence change replaces methionine, which is neutral and non-polar, with threonine, which is neutral and polar, at codon 651 of the DSG1 protein (p.Met651Thr). This variant is not present in population databases (gnomAD no frequency). This variant has not been reported in the literature in individuals affected with DSG1-related conditions. ClinVar contains an entry for this variant (Variation ID: 2809426). Invitae Evidence Modeling of protein sequence and biophysical properties (such as structural, functional, and spatial information, amino acid conservation, physicochemical variation, residue mobility, and thermodynamic stability) indicates that this missense variant is not expected to disrupt DSG1 protein function with a negative predictive value of 80%. In summary, the available evidence is currently insufficient to determine the role of this variant in disease. Therefore, it has been classified as a Variant of Uncertain Significance.